The following is an entry in ClinVar:

NM_000260.4(MYO7A):c.4880T>C (p.Phe1627Ser)

Gene: MYO7A (myosin VIIA; plus strand). Cytogenetic location: 11q13.5.
Variant type: single nucleotide variant.
Coding change: c.4880T>C on transcript NM_000260.4 (MANE Select); coding-DNA position 4880, T replaced by C.
Protein change: p.Phe1627Ser; replaces phenylalanine 1627 with serine.
Molecular consequence: missense variant.
Genome position (GRCh38, 1-based): chr11:77,201,475, T>C. VCF-style: chr11-77201475-T-C. GRCh37 (hg19) VCF-style: chr11-76912520-T-C.
Other names: c.4766T>C, p.Phe1589Ser (NM_001127180.2); c.4733T>C, p.Phe1578Ser (NM_001369365.1); short protein forms F1578S, F1589S, F1627S.
Identifiers: ClinVar variation 2857437 (VCV002857437.3), dbSNP rs2497629836, ClinGen allele CA381951143.

ClinVar aggregate classification (germline): Uncertain significance (1 of 4 stars; one submission).

Submission:

Labcorp Genetics (formerly Invitae), Labcorp
Classification: Uncertain significance. Last evaluated: 2023-11-27. Review status: criteria provided, single submitter. Criteria: Invitae Variant Classification Sherloc (09022015). Collection method: clinical testing. Allele origin: germline.
Comment: This sequence change replaces phenylalanine, which is neutral and non-polar, with serine, which is neutral and polar, at codon 1627 of the MYO7A protein (p.Phe1627Ser). This variant is not present in population databases (gnomAD no frequency). This variant has not been reported in the literature in individuals affected with MYO7A-related conditions. Advanced modeling of protein sequence and biophysical properties (such as structural, functional, and spatial information, amino acid conservation, physicochemical variation, residue mobility, and thermodynamic stability) performed at Invitae indicates that this missense variant is not expected to disrupt MYO7A protein function with a negative predictive value of 95%. In summary, the available evidence is currently insufficient to determine the role of this variant in disease. Therefore, it has been classified as a Variant of Uncertain Significance.